The following is an entry in ClinVar:

ClinVar aggregate classification (germline): Uncertain significance. Review status: criteria provided, multiple submitters, no conflicts (2 of 4 stars). 4 submissions from 4 submitters: Uncertain significance (4). Last evaluated 2025-07-07.

Conditions:
Recurrent metabolic encephalomyopathic crises-rhabdomyolysis-cardiac arrhythmia-intellectual disability syndrome (MECRCN). Also called: Metabolic encephalomyopathic crises, recurrent, with rhabdomyolysis, cardiac arrhythmias, and neurodegeneration; METABOLIC CRISES, RECURRENT, WITH RHABDOMYOLYSIS, CARDIAC ARRHYTHMIAS, AND NEURODEGENERATION; TANGO2 Deficiency. Identifiers: Orphanet 480864, MedGen C5567524, MONDO:0018820, OMIM 616878.

Allele frequency attached by ClinVar (database versions not stated): gnomAD exomes 0.00001; gnomAD 0.00003 and 0.00004; TOPMed 0.00003; ESP Exome Variant Server 0.00008.

Submissions (4):

Department of Molecular Genetics, Istishari Arab Hospital
Classification: Uncertain significance for Recurrent metabolic encephalomyopathic crises-rhabdomyolysis-cardiac arrhythmia-intellectual disability syndrome. Last evaluated: 2025-07-07. Review status: criteria provided, single submitter. Criteria: ACMG Guidelines, 2015. Collection method: clinical testing. Allele origin: inherited. Inheritance: Autosomal recessive inheritance. Affected: yes.
Comment: The TANGO2 variant c.263G>A, p.Arg88Gln creates an amino acid change from Arg to Gln at position 88. To the best of our knowledge, this variant was not previously reported in literature. Two out of three of the splicing altering in silico tools predict deleterious effect on splicing of the 3’ end of exon 4 (out of 9 exons) (SpliceAI: Benign; dbscSNV Ada: Deleterious; dbscSNV RF: Deleterious).It is classified as variant of uncertain significance according to the recommendations of ACMG/AMP/ClinGen SVI guidelines.

GeneDx
Classification: Uncertain significance. Last evaluated: 2024-09-11. Review status: criteria provided, single submitter. Criteria: GeneDx Variant Classification Process June 2021. Collection method: clinical testing. Allele origin: germline. Affected: yes.
Comment: In silico analysis supports that this missense variant has a deleterious effect on protein structure/function; Not observed at significant frequency in large population cohorts (gnomAD); Has not been previously published as pathogenic or benign to our knowledge

Labcorp Genetics (formerly Invitae), Labcorp
Classification: Uncertain significance. Last evaluated: 2022-06-15. Review status: criteria provided, single submitter. Criteria: Invitae Variant Classification Sherloc (09022015). Collection method: clinical testing. Allele origin: germline.
Comment: This sequence change replaces arginine, which is basic and polar, with glutamine, which is neutral and polar, at codon 88 of the TANGO2 protein (p.Arg88Gln). The frequency data for this variant in the population databases is considered unreliable, as metrics indicate poor data quality at this position in the gnomAD database. This variant has not been reported in the literature in individuals affected with TANGO2-related conditions. Algorithms developed to predict the effect of missense changes on protein structure and function are either unavailable or do not agree on the potential impact of this missense change (SIFT: "Not Available"; PolyPhen-2: "Probably Damaging"; Align-GVGD: "Not Available"). In summary, the available evidence is currently insufficient to determine the role of this variant in disease. Therefore, it has been classified as a Variant of Uncertain Significance.

Neuberg Centre For Genomic Medicine, NCGM
Classification: Uncertain significance for Recurrent metabolic encephalomyopathic crises-rhabdomyolysis-cardiac arrhythmia-intellectual disability syndrome. Review status: criteria provided, single submitter. Criteria: ACMG Guidelines, 2015. Collection method: clinical testing. Allele origin: germline. Affected: yes.
Comment: The missense variant p.R88Q in TANGO2 (NM_152906.7) has not been reported previously as a pathogenic variant nor as a benign variant, to our knowledge. The p.R88Q variant is observed in 1/8,642 (0.0116%) alleles from individuals of Ashkenazi Jewish background in gnomAD Exomes and is novel (not in any individuals) in 1000 Genomes. The p.R88Q missense variant is predicted to be damaging by both SIFT and PolyPhen2. The arginine residue at codon 88 of TANGO2 is conserved in all mammalian species. The nucleotide c.263 in TANGO2 is predicted conserved by GERP++ and PhyloP across 100 vertebrates. For these reasons, this variant has been classified as Uncertain Significance.

NM_152906.7(TANGO2):c.263G>A (p.Arg88Gln)

Gene: TANGO2 (transport and golgi organization 2 homolog; plus strand). Cytogenetic location: 22q11.21.
Variant type: single nucleotide variant.
Coding change: c.263G>A on transcript NM_152906.7 (MANE Select); coding-DNA position 263, G replaced by A.
Protein change: p.Arg88Gln; replaces arginine 88 with glutamine.
Molecular consequence: missense variant. On other transcripts: synonymous variant (12), non-coding transcript variant (5).
Genome position (GRCh38, 1-based): chr22:20,052,582, G>A. VCF-style: chr22-20052582-G-A. GRCh37 (hg19) VCF-style: chr22-20040105-G-A.
Other names: p.Arg88Gln; c.263G>A, p.Arg88Gln (NM_001283106.3, NM_001283116.3, NM_001283148.3 and 10 more transcripts); c.386G>A, p.Arg129Gln (NM_001283129.3, NM_001283215.3, NM_001322141.2 and 5 more transcripts); c.84G>A, p.Ala28= (NM_001283235.3, NM_001322146.2, NM_001322148.2 and 9 more transcripts); c.263G>A (NM_152906.4); short protein forms R129Q, R88Q.
Identifiers: ClinVar variation 1339009 (VCV001339009.9), dbSNP rs370517217, ClinGen allele CA10106248.